The following is an entry in ClinVar:

NM_004260.4(RECQL4):c.40T>C (p.Trp14Arg)

Genes: RECQL4 (RecQ like helicase 4; minus strand), LOC130001411 (ATAC-STARR-seq lymphoblastoid silent region 19699; plus strand). Cytogenetic location: 8q24.3.
Variant type: single nucleotide variant.
Coding change: c.40T>C on transcript NM_004260.4 (MANE Select); coding-DNA position 40, T replaced by C.
Protein change: p.Trp14Arg; replaces tryptophan 14 with arginine.
Molecular consequence: missense variant.
Genome position (GRCh38, 1-based): chr8:144,517,745, A>G on the plus strand (T>C on the coding strand, the complement: RECQL4 is on the minus strand). VCF-style: chr8-144517745-A-G. GRCh37 (hg19) VCF-style: chr8-145743129-A-G.
Other names: short protein forms W14R.
Identifiers: ClinVar variation 641404 (VCV000641404.4), dbSNP rs758579262, ClinGen allele CA372693865.

ClinVar aggregate classification (germline): Uncertain significance (1 of 4 stars; one submission).

Conditions:
Baller-Gerold syndrome (BGS). Also called: CRANIOSYNOSTOSIS WITH RADIAL DEFECTS. Identifiers: Orphanet 1225, MedGen C0265308, MONDO:0009039, OMIM 218600.

Allele frequency attached by ClinVar (database versions not stated): gnomAD exomes below 0.00001.
gnomAD v4.1: 1 of 1,336,552 alleles (0.000075%); highest among the groups gnomAD compares: Non-Finnish European, 0.000096%; no homozygotes.

Submission:

Labcorp Genetics (formerly Invitae), Labcorp
Classification: Uncertain significance for Baller-Gerold syndrome. Last evaluated: 2018-09-13. Review status: criteria provided, single submitter. Criteria: Invitae Variant Classification Sherloc (09022015). Collection method: clinical testing. Allele origin: germline.
Comment: This sequence change replaces tryptophan with arginine at codon 14 of the RECQL4 protein (p.Trp14Arg). The tryptophan residue is highly conserved and there is a moderate physicochemical difference between tryptophan and arginine. In summary, the available evidence is currently insufficient to determine the role of this variant in disease. Therefore, it has been classified as a Variant of Uncertain Significance. Algorithms developed to predict the effect of missense changes on protein structure and function are either unavailable or do not agree on the potential impact of this missense change (SIFT: "Tolerated"; PolyPhen-2: "Probably Damaging"; Align-GVGD: "Class C0"). This variant has not been reported in the literature in individuals with RECQL4-related disease. The frequency data for this variant in the population databases is considered unreliable, as metrics indicate insufficient coverage at this position in the ExAC database.